The following is an entry in ClinVar:

ClinVar aggregate classification (germline): Uncertain significance. Review status: criteria provided, single submitter (1 of 4 stars). 2 submissions from 2 submitters: Uncertain significance (1). 1 of the submissions does not count toward it. Last evaluated 2022-08-09.

Conditions:
GNE myopathy (NM). Also called: MYOPATHY, DISTAL, WITH OR WITHOUT RIMMED VACUOLES; INCLUSION BODY MYOPATHY, HEREDITARY, AUTOSOMAL RECESSIVE; IBM 2; Inclusion body myopathy autosomal recessive; Inclusion body myopathy quadriceps sparing; NONAKA DISTAL MYOPATHY. Identifiers: Orphanet 602, MedGen C1853926, MONDO:0011603, OMIM 605820.
Sialuria. Also called: Sialic Acid Storage Disease; SIALURIA, FRENCH TYPE. Identifiers: Orphanet 3166, MedGen C0342853, MONDO:0010028, OMIM 269921.

Submissions (2):

Labcorp Genetics (formerly Invitae), Labcorp
Classification: Uncertain significance for Sialuria; GNE myopathy. Last evaluated: 2022-08-09. Review status: criteria provided, single submitter. Criteria: Invitae Variant Classification Sherloc (09022015). Collection method: clinical testing. Allele origin: germline.
Comment: In summary, the available evidence is currently insufficient to determine the role of this variant in disease. Therefore, it has been classified as a Variant of Uncertain Significance. Experimental studies and prediction algorithms are not available or were not evaluated, and the functional significance of this variant is currently unknown. ClinVar contains an entry for this variant (Variation ID: 1420269). This variant has not been reported in the literature in individuals affected with GNE-related conditions. This variant is present in population databases (no rsID available, gnomAD 0.007%). This variant, c.318_320del, is a complex sequence change that results in the deletion of 2 and insertion of 1 amino acid(s) in the GNE protein (p.Ile106_Val107delinsMet).

Natera, Inc.
Classification: Uncertain significance for Nonaka myopathy. Last evaluated: 2025-01-28. Review status: no assertion criteria provided. Collection method: clinical testing. Allele origin: germline. Not counted in ClinVar's aggregate classification.

NM_005476.7(GNE):c.225_227del (p.Ile75_Val76delinsMet)

Gene: GNE (glucosamine (UDP-N-acetyl)-2-epimerase/N-acetylmannosamine kinase; minus strand). Cytogenetic location: 9p13.3.
Variant type: Deletion.
Coding change: c.225_227del on transcript NM_005476.7 (MANE Select); coding-DNA positions 225 to 227, 3 bases deleted (TGT; older notation c.225_227delTGT).
Protein change: p.Ile75_Val76delinsMet.
Molecular consequence: inframe indel.
Genome position (GRCh38, 1-based): chr9:36,246,420-36,246,422, ACA deleted on the plus strand (TGT on the coding strand, the reverse complement: GNE is on the minus strand); deleting any 3 consecutive bases within chr9:36,246,420-36,246,423 gives the same sequence; the c. name uses the placement nearest the transcript's 3' end. VCF-style (leftmost placement, unchanged base first): chr9-36246419-CACA-C. GRCh37 (hg19) VCF-style: chr9-36246416-CACA-C.
Other names: c.318_320del, p.Ile106_Val107delinsMet (NM_001128227.3); c.225_227del, p.Ile75_Val76delinsMet (NM_001190383.3, NM_001374797.1); c.48_50del, p.Ile16_Val17delinsMet (NM_001190384.3, NM_001190388.2, NM_001374798.1); c.318_320del (NM_001128227.2).
Identifiers: ClinVar variation 1420269 (VCV001420269.7), dbSNP rs1156580753, ClinGen allele CA588147230.